The following is an entry in ClinVar:

NM_023036.6(DNAI2):c.1347+6G>A

Gene: DNAI2 (dynein axonemal intermediate chain 2; plus strand). Cytogenetic location: 17q25.1.
Variant type: single nucleotide variant.
Coding change: c.1347+6G>A on transcript NM_023036.6 (MANE Select); 6 bases into the intron after coding-DNA position 1347, G replaced by A.
Molecular consequence: intron variant.
Genome position (GRCh38, 1-based): chr17:74,309,394, G>A. VCF-style: chr17-74309394-G-A. GRCh37 (hg19) VCF-style: chr17-72305533-G-A.
Other names: c.1347+6G>A (NM_001353167.2, NM_001172810.3).
Identifiers: ClinVar variation 864314 (VCV000864314.8), dbSNP rs769832640, ClinGen allele CA8745700.

ClinVar aggregate classification (germline): Conflicting classifications of pathogenicity. Review status: criteria provided, conflicting classifications (1 of 4 stars). 3 submissions from 3 submitters: Uncertain significance (1); Likely benign (1). 1 of the submissions does not count toward it. Last evaluated 2022-04-25.

Conditions:
Primary ciliary dyskinesia. Also called: Ciliary dyskinesia. Identifiers: Orphanet 244, MedGen C0008780, MONDO:0016575, HP:0012265.

Allele frequency attached by ClinVar (database versions not stated): ExAC 0.00001; gnomAD 0.00001; TOPMed 0.00002; gnomAD exomes 0.00004.
gnomAD v4.1: 56 of 1,614,152 alleles (0.0035%); highest among the groups gnomAD compares: South Asian, 0.012%; no homozygotes.

Submissions (3):

Blueprint Genetics
Classification: Likely benign. Last evaluated: 2022-04-25. Review status: criteria provided, single submitter. Criteria: ACMG Guidelines, 2015. Collection method: clinical testing. Allele origin: germline.

Labcorp Genetics (formerly Invitae), Labcorp
Classification: Uncertain significance for Primary ciliary dyskinesia. Last evaluated: 2021-09-01. Review status: criteria provided, single submitter. Criteria: Invitae Variant Classification Sherloc (09022015). Collection method: clinical testing. Allele origin: germline.
Comment: This sequence change falls in intron 10 of the DNAI2 gene. It does not directly change the encoded amino acid sequence of the DNAI2 protein. It affects a nucleotide within the consensus splice site of the intron. This variant is present in population databases (rs769832640, ExAC 0.006%). This variant has not been reported in the literature in individuals affected with DNAI2-related conditions. Variants that disrupt the consensus splice site are a relatively common cause of aberrant splicing (PMID: 17576681, 9536098). Algorithms developed to predict the effect of sequence changes on RNA splicing suggest that this variant may disrupt the consensus splice site. In summary, the available evidence is currently insufficient to determine the role of this variant in disease. Therefore, it has been classified as a Variant of Uncertain Significance.

Natera, Inc.
Classification: Uncertain significance for Primary ciliary dyskinesia. Last evaluated: 2020-09-16. Review status: no assertion criteria provided. Collection method: clinical testing. Allele origin: germline. Not counted in ClinVar's aggregate classification.

Literature cited by the submitters: PubMed 17576681 (cited by Labcorp Genetics (formerly Invitae), Labcorp); PubMed 9536098 (cited by Labcorp Genetics (formerly Invitae), Labcorp).